The following is an entry in ClinVar:

NM_017934.7(PHIP):c.4252A>G (p.Ile1418Val)

Genes: IRAK1BP1 (interleukin 1 receptor associated kinase 1 binding protein 1; plus strand), PHIP (PHIP subunit of CUL4-Ring ligase complex; minus strand). Cytogenetic location: 6q14.1.
Variant type: single nucleotide variant.
Coding change: c.4252A>G on transcript NM_017934.7 (MANE Select); coding-DNA position 4252, A replaced by G.
Protein change: p.Ile1418Val; replaces isoleucine 1418 with valine.
Molecular consequence: missense variant.
Genome position (GRCh38, 1-based): chr6:78,946,829, T>C on the plus strand (A>G on the coding strand, the complement: PHIP is on the minus strand). VCF-style: chr6-78946829-T-C. GRCh37 (hg19) VCF-style: chr6-79656546-T-C.
Other names: short protein forms I1418V.
Identifiers: ClinVar variation 3348397 (VCV003348397.4).
Genomic context (GRCh38, chr6:78,946,829, plus strand): 5'-TTATGGTATTTCTTTTATGAAAACGAAGAGCAGATTTATAATCTGATAAAACTGAACTAA[T>C]GTGTTCTTCAAAGAAAGCAGACAGGCGCAAACTCATGCTGTAAATCTGTGAGGGAAAAAA-3'
Protein context (NP_060404.4, residues 1408-1428): LRLSAFFEEH[Ile1418Val]SSVLSDYKSA

ClinVar aggregate classification (germline): Uncertain significance. Review status: criteria provided, multiple submitters, no conflicts (2 of 4 stars). 2 submissions from 2 submitters: Uncertain significance (2). Last evaluated 2025-06-14.

Conditions:
PHIP-related disorder. Also called: PHIP-related condition; PHIP-related disorders.

gnomAD v4.1: 10 of 1,586,912 alleles (0.00063%); highest among the groups gnomAD compares: Non-Finnish European, 0.00086%; no homozygotes.

Submissions (2):

PreventionGenetics, part of Exact Sciences
Classification: Uncertain significance for PHIP-related condition. Last evaluated: 2025-06-14. Review status: criteria provided, single submitter. Criteria: ACMG Guidelines, 2015. Collection method: clinical testing. Allele origin: germline.
Comment: The PHIP c.4252A>G variant is predicted to result in the amino acid substitution p.Ile1418Val. To our knowledge, this variant has not been reported in the literature. This variant is reported in 0.0029% of alleles in individuals of European (Non-Finnish) descent in gnomAD. At this time, the clinical significance of this variant is uncertain due to the absence of conclusive functional and genetic evidence.

Labcorp Genetics (formerly Invitae), Labcorp
Classification: Uncertain significance. Last evaluated: 2024-05-09. Review status: criteria provided, single submitter. Criteria: Invitae Variant Classification Sherloc (09022015). Collection method: clinical testing. Allele origin: germline.
Comment: This sequence change replaces isoleucine, which is neutral and non-polar, with valine, which is neutral and non-polar, at codon 1418 of the PHIP protein (p.Ile1418Val). This variant is present in population databases (rs773625326, gnomAD 0.003%). This variant has not been reported in the literature in individuals affected with PHIP-related conditions. Advanced modeling of protein sequence and biophysical properties (such as structural, functional, and spatial information, amino acid conservation, physicochemical variation, residue mobility, and thermodynamic stability) performed at Invitae indicates that this missense variant is not expected to disrupt PHIP protein function with a negative predictive value of 80%. In summary, the available evidence is currently insufficient to determine the role of this variant in disease. Therefore, it has been classified as a Variant of Uncertain Significance.